The following is an entry in ClinVar:

NM_018896.5(CACNA1G):c.2909A>C (p.Glu970Ala)

Gene: CACNA1G (calcium voltage-gated channel subunit alpha1 G; plus strand). Cytogenetic location: 17q21.33.
Variant type: single nucleotide variant.
Coding change: c.2909A>C on transcript NM_018896.5 (MANE Select); coding-DNA position 2909, A replaced by C.
Protein change: p.Glu970Ala; replaces glutamic acid 970 with alanine.
Molecular consequence: missense variant. On other transcripts: non-coding transcript variant (5).
Genome position (GRCh38, 1-based): chr17:50,592,091, A>C. VCF-style: chr17-50592091-A-C. GRCh37 (hg19) VCF-style: chr17-48669452-A-C.
Other names: c.2909A>C, p.Glu970Ala (NM_001256324.2, NM_001256325.2, NM_001256326.2 and 24 more transcripts); short protein forms E970A.
Identifiers: ClinVar variation 2497960 (VCV002497960.1), dbSNP rs2545238012, ClinGen allele CA400250133.

ClinVar aggregate classification (germline): Uncertain significance (1 of 4 stars; one submission).

Submission:

GeneDx
Classification: Uncertain significance. Last evaluated: 2022-10-10. Review status: criteria provided, single submitter. Criteria: GeneDx Variant Classification Process June 2021. Collection method: clinical testing. Allele origin: germline. Affected: yes.
Comment: Not observed at significant frequency in large population cohorts (gnomAD); In silico analysis supports that this missense variant has a deleterious effect on protein structure/function; In-silico analysis is inconclusive as to whether the variant alters gene splicing. In the absence of RNA/functional studies, the actual effect of this sequence change is unknown.; Has not been previously published as pathogenic or benign to our knowledge